The following is an entry in ClinVar:

NM_001387430.1(SH2B1):c.371G>A (p.Arg124Gln)

Gene: SH2B1 (SH2B adaptor protein 1; plus strand). Cytogenetic location: 16p11.2.
Variant type: single nucleotide variant.
Coding change: c.371G>A on transcript NM_001387430.1 (MANE Select); coding-DNA position 371, G replaced by A.
Protein change: p.Arg124Gln; replaces arginine 124 with glutamine.
Molecular consequence: missense variant. On other transcripts: intron variant (1).
Genome position (GRCh38, 1-based): chr16:28,866,465, G>A. VCF-style: chr16-28866465-G-A. GRCh37 (hg19) VCF-style: chr16-28877786-G-A.
Other names: c.371G>A, p.Arg124Gln (NM_001145795.2, NM_001145796.2, NM_001145797.2 and 4 more transcripts); c.-26-909G>A (NM_001308294.2); short protein forms R124Q.
Identifiers: ClinVar variation 3351633 (VCV003351633.1).

ClinVar aggregate classification (germline): Uncertain significance (0 of 4 stars; one submission).

Conditions:
SH2B1-related disorder. Also called: SH2B1-related condition.

gnomAD v4.1: 24 of 1,613,902 alleles (0.0015%); highest among the groups gnomAD compares: African/African-American, 0.0053%; no homozygotes.

Submission:

PreventionGenetics, part of Exact Sciences
Classification: Uncertain significance for SH2B1-related condition. Last evaluated: 2024-01-03. Review status: no assertion criteria provided. Collection method: clinical testing. Allele origin: germline.
Comment: The SH2B1 c.371G>A variant is predicted to result in the amino acid substitution p.Arg124Gln. To our knowledge, this variant has not been reported in the literature. This variant is reported in 0.0033% of alleles in individuals of South Asian descent in gnomAD. At this time, the clinical significance of this variant is uncertain due to the absence of conclusive functional and genetic evidence.